The following is an entry in ClinVar:

ClinVar aggregate classification (germline): Likely pathogenic (1 of 4 stars; one submission).

Conditions:
Ehlers-Danlos syndrome, dermatosparaxis type. Also called: EDS VIIC; Dermatosparaxis; Ehlers-Danlos syndrome, type VII, autosomal recessive. Identifiers: Orphanet 1901, MedGen C2700425, MONDO:0009161, OMIM 225410.

Submission:

Natera, Inc.
Classification: Likely pathogenic for Ehlers-Danlos syndrome type VIIC. Last evaluated: 2025-03-17. Review status: criteria provided, single submitter. Criteria: Natera Variant Classification Schema (03/2026). Collection method: clinical testing. Allele origin: germline.
Comment: The c.42dup variant in ADAMTS2 is a frameshift variant predicted to shift the reading frame beginning at codon 15 and leads to a stop codon 51 codons downstream. This variant is expected to result in nonsense mediated decay, truncation, or a dysfunctional protein product. This variant is rare in the general population with a frequency below the threshold expected for the associated phenotype(s). Given the available evidence, this variant is classified as Likely Pathogenic.

NM_014244.5(ADAMTS2):c.42dup (p.Ala15fs)

Gene: ADAMTS2 (ADAM metallopeptidase with thrombospondin type 1 motif 2; minus strand). Cytogenetic location: 5q35.3.
Variant type: Duplication.
Coding change: c.42dup on transcript NM_014244.5 (MANE Select); coding-DNA position 42, one base duplicated (C; older notation c.42dupC).
Protein change: p.Ala15fs; shifts the reading frame from alanine 15.
Molecular consequence: frameshift variant.
Genome position (GRCh38, 1-based): chr5:179,345,287, G duplicated on the plus strand (C on the coding strand, the reverse complement: ADAMTS2 is on the minus strand); the first of 4 consecutive G bases (chr5:179,345,287-179,345,290); duplicating any one gives the same sequence. VCF-style (leftmost placement, unchanged base first): chr5-179345286-C-CG. GRCh37 (hg19) VCF-style: chr5-178772287-C-CG.
Other names: c.42dup, p.Ala15fs (NM_021599.4); short protein forms A15fs.
Identifiers: ClinVar variation 4066989 (VCV004066989.2).